The following is an entry in ClinVar:

ClinVar aggregate classification (germline): Uncertain significance. Review status: criteria provided, multiple submitters, no conflicts (2 of 4 stars). 2 submissions from 2 submitters: Uncertain significance (2). Last evaluated 2024-03-16.

Conditions:
Neuroblastoma (NB). Identifiers: Orphanet 635, MedGen C0027819, MeSH D009447, MONDO:0005072, HP:0003006.

Allele frequency attached by ClinVar (database versions not stated): gnomAD exomes below 0.00001; ExAC 0.00001; TOPMed 0.00001.
gnomAD v4.1: 4 of 1,614,182 alleles (0.00025%); highest among the groups gnomAD compares: South Asian, 0.0011%; no homozygotes.

Submissions (2):

Ambry Genetics
Classification: Uncertain significance. Last evaluated: 2024-03-16. Review status: criteria provided, single submitter. Criteria: Ambry Variant Classification Scheme 2023. Collection method: clinical testing. Allele origin: germline.
Comment: The p.M390V variant (also known as c.1168A>G), located in coding exon 12 of the KIF1B gene, results from an A to G substitution at nucleotide position 1168. The methionine at codon 390 is replaced by valine, an amino acid with highly similar properties. This amino acid position is conserved. In addition, this alteration is predicted to be tolerated by in silico analysis. Since supporting evidence is limited at this time, the clinical significance of this alteration remains unclear.

Illumina Laboratory Services, Illumina
Classification: Uncertain significance for Neuroblastoma. Last evaluated: 2018-01-12. Review status: criteria provided, single submitter. Criteria: ICSL Variant Classification Criteria 13 December 2019. Collection method: clinical testing. Allele origin: germline.

NM_001365951.3(KIF1B):c.1306A>G (p.Met436Val)

Gene: KIF1B (kinesin family member 1B; plus strand). Cytogenetic location: 1p36.22.
Variant type: single nucleotide variant.
Coding change: c.1306A>G on transcript NM_001365951.3 (MANE Select); coding-DNA position 1306, A replaced by G.
Protein change: p.Met436Val; replaces methionine 436 with valine.
Molecular consequence: missense variant.
Genome position (GRCh38, 1-based): chr1:10,282,405, A>G. VCF-style: chr1-10282405-A-G. GRCh37 (hg19) VCF-style: chr1-10342463-A-G.
Other names: c.1306A>G, p.Met436Val (NM_001365952.1); c.1168A>G, p.Met390Val (NM_001365953.1, NM_015074.3, NM_183416.4); short protein forms M390V, M436V.
Identifiers: ClinVar variation 874847 (VCV000874847.6), dbSNP rs759751032, ClinGen allele CA580934.
Genomic context (GRCh38, chr1:10,282,405, plus strand): 5'-AAGCATAGATACTTGCTAGCCTCTGAGAATCAACGCCCTGGCCATTTTTCCACAGCATCC[A>G]TGGGGTCCCTCACTTCATCCCCATCTTCCTGCTCACTCAGTAGTCAGGTGGGCTTGACGT-3'
Protein context (NP_001352880.1, residues 426-446): QRPGHFSTAS[Met436Val]GSLTSSPSSC